The following is an entry in ClinVar:

NM_033028.5(BBS4):c.1183T>C (p.Tyr395His)

Gene: BBS4 (Bardet-Biedl syndrome 4; plus strand). Cytogenetic location: 15q24.1.
Variant type: single nucleotide variant.
Coding change: c.1183T>C on transcript NM_033028.5 (MANE Select); coding-DNA position 1183, T replaced by C.
Protein change: p.Tyr395His; replaces tyrosine 395 with histidine.
Molecular consequence: missense variant. On other transcripts: non-coding transcript variant (2).
Genome position (GRCh38, 1-based): chr15:72,735,901, T>C. VCF-style: chr15-72735901-T-C. GRCh37 (hg19) VCF-style: chr15-73028242-T-C.
Other names: c.667T>C, p.Tyr223His (NM_001252678.2); c.1114T>C, p.Tyr372His (NM_001320665.2); short protein forms Y223H, Y372H, Y395H.
Identifiers: ClinVar variation 2417187 (VCV002417187.6), dbSNP rs1432720059, ClinGen allele CA393080109.

ClinVar aggregate classification (germline): Uncertain significance (1 of 4 stars; one submission).

Conditions:
Bardet-Biedl syndrome (BBS). Identifiers: Orphanet 110, MedGen C0752166, MONDO:0015229.

Allele frequency attached by ClinVar (database versions not stated): gnomAD 0.00001; TOPMed 0.00001.
gnomAD v4.1: 2 of 1,613,952 alleles (0.00012%); highest among the groups gnomAD compares: African/African-American, 0.0027%; no homozygotes.

Submission:

Labcorp Genetics (formerly Invitae), Labcorp
Classification: Uncertain significance for Bardet-Biedl syndrome. Last evaluated: 2022-07-05. Review status: criteria provided, single submitter. Criteria: Invitae Variant Classification Sherloc (09022015). Collection method: clinical testing. Allele origin: germline.
Comment: This sequence change replaces tyrosine, which is neutral and polar, with histidine, which is basic and polar, at codon 395 of the BBS4 protein (p.Tyr395His). In summary, the available evidence is currently insufficient to determine the role of this variant in disease. Therefore, it has been classified as a Variant of Uncertain Significance. Algorithms developed to predict the effect of missense changes on protein structure and function are either unavailable or do not agree on the potential impact of this missense change (SIFT: "Deleterious"; PolyPhen-2: "Possibly Damaging"; Align-GVGD: "Class C0"). This variant has not been reported in the literature in individuals affected with BBS4-related conditions. This variant is not present in population databases (gnomAD no frequency).